The following is an entry in ClinVar:

NM_024537.4(CARS2):c.1489dup (p.Val497fs)

Gene: CARS2 (cysteinyl-tRNA synthetase 2, mitochondrial; minus strand). Cytogenetic location: 13q34.
Variant type: Duplication.
Coding change: c.1489dup on transcript NM_024537.4 (MANE Select); coding-DNA position 1489, one base duplicated (G; older notation c.1489dupG).
Protein change: p.Val497fs; shifts the reading frame from valine 497.
Molecular consequence: frameshift variant. On other transcripts: non-coding transcript variant (2).
Genome position (GRCh38, 1-based): chr13:110,642,449, C duplicated on the plus strand (G on the coding strand, the reverse complement: CARS2 is on the minus strand); the first of 2 consecutive C bases (chr13:110,642,449-110,642,450); duplicating either gives the same sequence. VCF-style (leftmost placement, unchanged base first): chr13-110642448-A-AC. GRCh37 (hg19) VCF-style: chr13-111294795-A-AC.
Other names: c.703dup, p.Val235fs (NM_001352252.2); c.1489dup (NM_024537.2); short protein forms V235fs, V497fs.
Identifiers: ClinVar variation 1063449 (VCV001063449.3), dbSNP rs1328662776, ClinGen allele CA612866986.
Genomic context (GRCh38, chr13:110,642,448, plus strand): 5'-AGGAGCTGCTGCCGCCGGGCGTCCCCCGTGGCCTCGGGCATGGCCAGCGCAAACTGCCGG[A>AC]CCTTCTGCCGGAACCGCACCAGCTCGTCCACCACACCATGCAAGGTAGCCTCGCTGCCGT-3'

ClinVar aggregate classification (germline): Uncertain significance. Review status: criteria provided, multiple submitters, no conflicts (2 of 4 stars). 2 submissions from 2 submitters: Uncertain significance (2). Last evaluated 2023-03-28.

Conditions:
Combined oxidative phosphorylation defect type 27. Also called: Combined oxidative phosphorylation deficiency 27. Identifiers: Orphanet 477774, MedGen C5567608, MONDO:0014728, OMIM 616672.

Submissions (2):

GeneDx
Classification: Uncertain significance. Last evaluated: 2023-03-28. Review status: criteria provided, single submitter. Criteria: GeneDx Variant Classification Process June 2021. Collection method: clinical testing. Allele origin: germline. Affected: yes.
Comment: Not observed at significant frequency in large population cohorts (gnomAD); Frameshift variant predicted to result in protein elongation as the last 68 amino acids are replaced with 100 different amino acids, although loss-of-function variants have not been reported downstream of this position in the protein; Has not been previously published as pathogenic or benign to our knowledge

Labcorp Genetics (formerly Invitae), Labcorp
Classification: Uncertain significance for Combined oxidative phosphorylation defect type 27. Last evaluated: 2020-07-02. Review status: criteria provided, single submitter. Criteria: Invitae Variant Classification Sherloc (09022015). Collection method: clinical testing. Allele origin: germline.
Comment: This sequence change results in a frameshift in the CARS2 gene (p.Val497Glyfs*101). While this is not anticipated to result in nonsense mediated decay, it is expected to disrupt the last 68 amino acids of the CARS2 protein and extend the protein by an additional 32 amino acids. This variant is not present in population databases (ExAC no frequency). This variant has not been reported in the literature in individuals with CARS2-related conditions. Experimental studies and prediction algorithms are not available or were not evaluated, and the functional significance of this variant is currently unknown. In summary, the available evidence is currently insufficient to determine the role of this variant in disease. Therefore, it has been classified as a Variant of Uncertain Significance.